The following is an entry in ClinVar:

NM_005454.3(CER1):c.174C>T (p.Val58=)

Gene: CER1 (cerberus 1, DAN family BMP antagonist; minus strand). Cytogenetic location: 9p22.3.
Variant type: single nucleotide variant.
Coding change: c.174C>T on transcript NM_005454.3 (MANE Select); coding-DNA position 174, C replaced by T.
Protein change: p.Val58=; no amino-acid change (valine 58 retained).
Molecular consequence: synonymous variant.
Genome position (GRCh38, 1-based): chr9:14,722,499, G>A on the plus strand (C>T on the coding strand, the complement: CER1 is on the minus strand). VCF-style: chr9-14722499-G-A. GRCh37 (hg19) VCF-style: chr9-14722497-G-A.
Identifiers: ClinVar variation 2659080 (VCV002659080.24), dbSNP rs145324660, ClinGen allele CA4989302.

ClinVar aggregate classification (germline): Likely benign (1 of 4 stars; one submission).

Allele frequency attached by ClinVar (database versions not stated): 1000 Genomes Project 30x 0.00031; 1000 Genomes Project 0.00040; ExAC 0.00066; TOPMed 0.00081; gnomAD 0.00092; gnomAD exomes 0.00184; ESP Exome Variant Server 0.00192.

Submission:

CeGaT Center for Human Genetics Tuebingen
Classification: Likely benign. Last evaluated: 2022-07-01. Review status: criteria provided, single submitter. Criteria: CeGaT Center For Human Genetics Tuebingen Variant Classification Criteria Version 2. Collection method: clinical testing. Allele origin: germline. Affected: yes. Observed: 1 variant allele.
Comment: CER1: BP4, BP7